The following is an entry in ClinVar:

NM_001160372.4(TRAPPC9):c.3034C>T (p.Gln1012Ter)

Gene: TRAPPC9 (trafficking protein particle complex subunit 9; minus strand). Cytogenetic location: 8q24.3.
Variant type: single nucleotide variant.
Coding change: c.3034C>T on transcript NM_001160372.4 (MANE Select); coding-DNA position 3034, C replaced by T.
Protein change: p.Gln1012Ter; replaces glutamine 1012 with a stop codon.
Molecular consequence: nonsense. On other transcripts: non-coding transcript variant (1).
Genome position (GRCh38, 1-based): chr8:139,885,900, G>A on the plus strand (C>T on the coding strand, the complement: TRAPPC9 is on the minus strand). VCF-style: chr8-139885900-G-A. GRCh37 (hg19) VCF-style: chr8-140898144-G-A.
Other names: c.3034C>T (NM_001160372.2); c.3007C>T, p.Gln1003Ter (NM_001321646.2); c.3055C>T, p.Gln1019Ter (NM_001374682.1); c.2923C>T, p.Gln975Ter (NM_001374683.1); c.2890C>T, p.Gln964Ter (NM_001374684.1); c.3034C>T, p.Gln1012Ter (NM_031466.8); short protein forms Q1012*, Q1003*, Q1019*, Q964*, Q975*.
Identifiers: ClinVar variation 191233 (VCV000191233.3), dbSNP rs786205595, ClinGen allele CA236319.
Genomic context (GRCh38, chr8:139,885,900, plus strand): 5'-CATCCACCCAGAATCGATGGGTGGCTGGCGGGTACTCACCCCACTGCAGAGGCGCCAGCT[G>A]CAGGTGCTCCAGGACGAGCTGGTTCAGGAGTCCTTCCACACTCGCCTCGCCACTGCGCTT-3'

ClinVar aggregate classification (germline): Pathogenic. Review status: criteria provided, single submitter (1 of 4 stars). 2 submissions from 1 submitter: Pathogenic (1). 1 of the submissions does not count toward it. Last evaluated 2024-03-14.

Conditions:
Intellectual developmental disorder, autosomal recessive 13. Also called: Intellectual disability, autosomal recessive 13. Identifiers: Orphanet 88616, MedGen C2750791, MONDO:0013173, OMIM 613192.

Submissions (2):

Genomic Medicine Center of Excellence, King Faisal Specialist Hospital and Research Centre
Classification: Pathogenic for Intellectual developmental disorder, autosomal recessive 13. Last evaluated: 2024-03-14. Review status: criteria provided, single submitter. Criteria: ACMG Guidelines, 2015. Collection method: research. Allele origin: germline.

Genomic Medicine Center of Excellence, King Faisal Specialist Hospital and Research Centre
Classification: Likely pathogenic. Review status: flagged submission. Criteria: ACMG Guidelines, 2015. Collection method: research. Allele origin: germline. Affected: yes. Not counted in ClinVar's aggregate classification.
ClinVar note: Reason: This record appears to be redundant with a more recent record from the same submitter.
ClinVar note: Notes: SCV000221618 appears to be redundant with SCV004801230.